The following is an entry in ClinVar:

NM_174936.4(PCSK9):c.-15T>C

Gene: PCSK9 (proprotein convertase subtilisin/kexin type 9; plus strand). Cytogenetic location: 1p32.3.
Variant type: single nucleotide variant.
Coding change: c.-15T>C on transcript NM_174936.4 (MANE Select); 15 bases upstream of the start codon, T replaced by C.
Molecular consequence: 5 prime UTR variant. On other transcripts: non-coding transcript variant (8).
Genome position (GRCh38, 1-based): chr1:55,039,823, T>C. VCF-style: chr1-55039823-T-C. GRCh37 (hg19) VCF-style: chr1-55505496-T-C.
Other names: c.-15T>C (NM_001407240.1, NM_001407241.1, NM_001407242.1 and 4 more transcripts); c.-749T>C (NM_001407246.1).
Identifiers: ClinVar variation 4757942 (VCV004757942.1).

ClinVar aggregate classification (germline): Uncertain significance (1 of 4 stars; one submission).

Conditions:
Familial hypercholesterolemia. Also called: Familial hypercholesterolaemia. Identifiers: MedGen C0020445, MONDO:0005439.

gnomAD v4.1: 1 of 1,567,720 alleles (0.000064%); highest among the groups gnomAD compares: Non-Finnish European, 0.000086%; no homozygotes.

Submission:

Color Diagnostics, LLC DBA Color Health
Classification: Uncertain significance for Familial hypercholesterolemia. Last evaluated: 2025-08-25. Review status: criteria provided, single submitter. Criteria: ACMG Guidelines, 2015. Collection method: clinical testing. Allele origin: germline.
Comment: This variant is located in the 5' untranslated region of the PCSK9 gene. To our knowledge, functional studies have not been reported for this variant. This variant has not been reported in individuals affected with PCSK9-related disorders in the literature. This variant has not been identified in the general population by the Genome Aggregation Database (gnomAD). The available evidence is insufficient to determine the role of this variant in disease conclusively. Therefore, this variant is classified as a Variant of Uncertain Significance.